The following is an entry in ClinVar:

NM_016363.5(GP6):c.*531T>C

Gene: GP6 (glycoprotein VI platelet; minus strand). Cytogenetic location: 19q13.42.
Variant type: single nucleotide variant.
Coding change: c.*531T>C on transcript NM_016363.5 (MANE Select); 531 bases downstream of the stop codon, T replaced by C.
Molecular consequence: 3 prime UTR variant. On other transcripts: missense variant (1).
Genome position (GRCh38, 1-based): chr19:55,014,390, A>G on the plus strand (T>C on the coding strand, the complement: GP6 is on the minus strand). VCF-style: chr19-55014390-A-G. GRCh37 (hg19) VCF-style: chr19-55525758-A-G.
Other names: c.1555T>C, p.Phe519Leu (NM_001083899.2); c.*531T>C (NM_001256017.2); c.1555T>C (NM_001083899.1); short protein forms F519L.
Identifiers: ClinVar variation 2682568 (VCV002682568.2), dbSNP rs375130495, ClinGen allele CA310121178.
Genomic context (GRCh38, chr19:55,014,390, plus strand): 5'-TCTTGTTTTCTAATGTGAAGGGAAGCGGGCAACGTGCTAGTTTTACACTAAGGAAAATGA[A>G]TGACATACCCAAACTGCCTGCAAGACCCGTTCTGAGAGACGAAAGGAGATTTGTTAGACC-3'

ClinVar aggregate classification (germline): Uncertain significance. Review status: criteria provided, multiple submitters, no conflicts (2 of 4 stars). 2 submissions from 2 submitters: Uncertain significance (2). Last evaluated 2023-12-20.

Conditions:
Inborn genetic diseases. Identifiers: MedGen C0950123, MeSH D030342.

Allele frequency attached by ClinVar (database versions not stated): gnomAD exomes below 0.00001; gnomAD 0.00006; TOPMed 0.00008; ESP Exome Variant Server 0.00016.
gnomAD v4.1: 15 of 1,613,696 alleles (0.00093%); highest among the groups gnomAD compares: African/African-American, 0.013%; no homozygotes.

Submissions (2):

Ambry Genetics
Classification: Uncertain significance for Inborn genetic diseases. Last evaluated: 2023-12-20. Review status: criteria provided, single submitter. Criteria: Ambry Variant Classification Scheme 2023. Collection method: clinical testing. Allele origin: germline.

Women's Health and Genetics/Laboratory Corporation of America, LabCorp
Classification: Uncertain significance. Last evaluated: 2023-11-16. Review status: criteria provided, single submitter. Criteria: LabCorp Variant Classification Summary - May 2015. Collection method: clinical testing. Allele origin: germline.
Comment: Variant summary: GP6 c.1555T>C (p.Phe519Leu) results in a non-conservative amino acid change in the encoded protein sequence. Three of five in-silico tools predict a benign effect of the variant on protein function. The variant allele was found at a frequency of 1.2e-05 in 249236 control chromosomes. The available data on variant occurrences in the general population are insufficient to allow any conclusion about variant significance. To our knowledge, no occurrence of c.1555T>C in individuals affected with Platelet-Type Bleeding Disorder 11 and no experimental evidence demonstrating its impact on protein function have been reported. No submitters have cited clinical-significance assessments for this variant to ClinVar after 2014. Based on the evidence outlined above, the variant was classified as uncertain significance.